The following is an entry in ClinVar:

NM_001853.4(COL9A3):c.1694C>G (p.Pro565Arg)

Gene: COL9A3 (collagen type IX alpha 3 chain; plus strand). Cytogenetic location: 20q13.33.
Variant type: single nucleotide variant.
Coding change: c.1694C>G on transcript NM_001853.4 (MANE Select); coding-DNA position 1694, C replaced by G.
Protein change: p.Pro565Arg; replaces proline 565 with arginine.
Molecular consequence: missense variant.
Genome position (GRCh38, 1-based): chr20:62,837,173, C>G. VCF-style: chr20-62837173-C-G. GRCh37 (hg19) VCF-style: chr20-61468525-C-G.
Other names: short protein forms P565R.
Identifiers: ClinVar variation 2714487 (VCV002714487.3), dbSNP rs2516089604, ClinGen allele CA409599335.

ClinVar aggregate classification (germline): Uncertain significance (1 of 4 stars; one submission).

gnomAD v4.1: 1 of 1,612,350 alleles (0.000062%); no homozygotes.

Submission:

Labcorp Genetics (formerly Invitae), Labcorp
Classification: Uncertain significance. Last evaluated: 2024-01-31. Review status: criteria provided, single submitter. Criteria: Invitae Variant Classification Sherloc (09022015). Collection method: clinical testing. Allele origin: germline.
Comment: This sequence change replaces proline, which is neutral and non-polar, with arginine, which is basic and polar, at codon 565 of the COL9A3 protein (p.Pro565Arg). This variant is not present in population databases (gnomAD no frequency). This variant has not been reported in the literature in individuals affected with COL9A3-related conditions. Advanced modeling of protein sequence and biophysical properties (such as structural, functional, and spatial information, amino acid conservation, physicochemical variation, residue mobility, and thermodynamic stability) performed at Invitae indicates that this missense variant is not expected to disrupt COL9A3 protein function with a negative predictive value of 95%. In summary, the available evidence is currently insufficient to determine the role of this variant in disease. Therefore, it has been classified as a Variant of Uncertain Significance.